The following is an entry in ClinVar:

NM_001134888.3(RTL1):c.624C>A (p.Gly208=)

Gene: RTL1 (retrotransposon Gag like 1; minus strand). Cytogenetic location: 14q32.2.
Variant type: single nucleotide variant.
Coding change: c.624C>A on transcript NM_001134888.3 (MANE Select); coding-DNA position 624, C replaced by A.
Protein change: p.Gly208=; no amino-acid change (glycine 208 retained).
Molecular consequence: synonymous variant.
Genome position (GRCh38, 1-based): chr14:100,884,165, G>T on the plus strand (C>A on the coding strand, the complement: RTL1 is on the minus strand). VCF-style: chr14-100884165-G-T. GRCh37 (hg19) VCF-style: chr14-101350502-G-T.
Other names: c.624C>A, p.Gly208= (NM_001425285.1).
Identifiers: ClinVar variation 3772552 (VCV003772552.13).

ClinVar aggregate classification (germline): Likely benign (1 of 4 stars; one submission).

gnomAD v4.1: 5 of 1,551,680 alleles (0.00032%); highest among the groups gnomAD compares: South Asian, 0.0012%; no homozygotes.

Submission:

CeGaT Center for Human Genetics Tuebingen
Classification: Likely benign. Last evaluated: 2025-02-01. Review status: criteria provided, single submitter. Criteria: CeGaT Center For Human Genetics Tuebingen Variant Classification Criteria Version 2. Collection method: clinical testing. Allele origin: germline. Affected: yes. Observed: 1 variant allele.
Comment: RTL1: BP4, BP7